The following is an entry in ClinVar:

ClinVar aggregate classification (germline): Pathogenic (1 of 4 stars; one submission).

Conditions:
Hyper-IgE recurrent infection syndrome 3, autosomal recessive. Also called: Autosomal recessive hyper-IgE syndrome due to ZNF341 deficiency; HYPER-IgE SYNDROME 3, AUTOSOMAL RECESSIVE, WITH RECURRENT INFECTIONS. Identifiers: Orphanet 641368, MedGen C4748969, MONDO:0032654, OMIM 618282.

Submission:

Labcorp Genetics (formerly Invitae), Labcorp
Classification: Pathogenic for Combined immunodeficiency due to DOCK8 deficiency. Last evaluated: 2021-07-29. Review status: criteria provided, single submitter. Criteria: Invitae Variant Classification Sherloc (09022015). Collection method: clinical testing. Allele origin: germline.
Comment: For these reasons, this variant has been classified as Pathogenic. This variant disrupts a region of the DOCK8 protein in which other variant(s) (p.Lys473) have been determined to be pathogenic (PMID: 20004785). This suggests that this is a clinically significant region of the protein, and that variants that disrupt it are likely to be disease-causing. Experimental studies and prediction algorithms are not available or were not evaluated, and the functional significance of this variant is currently unknown. This variant has not been reported in the literature in individuals affected with DOCK8-related conditions. This variant results in the deletion of exons 8-19 and part of exon 20 (c.828-3283_2166delinsCCAGAA) of the DOCK8 gene. It is expected to disrupt RNA splicing. Variants that disrupt the donor or acceptor splice site typically lead to a loss of protein function (PMID: 16199547), and loss-of-function variants in DOCK8 are known to be pathogenic (PMID: 14722525, 19776401).

Literature cited by the submitters: PubMed 20004785; PubMed 16199547; PubMed 14722525; PubMed 19776401.

NC_000009.11:g.(?_322388)_(376266_?)del

Gene: DOCK8 (dedicator of cytokinesis 8; plus strand). Cytogenetic location: 9p24.3.
Variant type: Deletion.
Identifiers: ClinVar variation 1460432 (VCV001460432.8).